The following is an entry in ClinVar:

ClinVar aggregate classification (germline): Uncertain significance (1 of 4 stars; one submission).

Conditions:
Loeys-Dietz syndrome 2 (LDS2). Also called: TGFBR2-Related Loeys-Dietz Syndrome; Marfan syndrome, type 2 (formerly); AORTIC ANEURYSM, FAMILIAL THORACIC 3; MARFAN SYNDROME, TYPE II; Marfan Syndrome type 2; Marfan like connective tissue disorder. Identifiers: Orphanet 284973, Orphanet 558, MedGen C2674574, MONDO:0012427, OMIM 610168.

Submission:

Labcorp Genetics (formerly Invitae), Labcorp
Classification: Uncertain significance for Loeys-Dietz syndrome 2. Last evaluated: 2024-01-13. Review status: criteria provided, single submitter. Criteria: Invitae Variant Classification Sherloc (09022015). Collection method: clinical testing. Allele origin: germline.
Comment: This sequence change replaces proline, which is neutral and non-polar, with leucine, which is neutral and non-polar, at codon 430 of the TMPO protein (p.Pro430Leu). This variant is not present in population databases (gnomAD no frequency). This variant has not been reported in the literature in individuals affected with TMPO-related conditions. Advanced modeling of protein sequence and biophysical properties (such as structural, functional, and spatial information, amino acid conservation, physicochemical variation, residue mobility, and thermodynamic stability) performed at Invitae indicates that this missense variant is not expected to disrupt TMPO protein function with a negative predictive value of 80%. In summary, the available evidence is currently insufficient to determine the role of this variant in disease. Therefore, it has been classified as a Variant of Uncertain Significance.

NM_001032283.3(TMPO):c.565+1708C>T

Gene: TMPO (thymopoietin; plus strand). Cytogenetic location: 12q23.1.
Variant type: single nucleotide variant.
Coding change: c.565+1708C>T on transcript NM_001032283.3 (MANE Select); 1708 bases into the intron after coding-DNA position 565, C replaced by T.
Molecular consequence: intron variant. On other transcripts: missense variant (1).
Genome position (GRCh38, 1-based): chr12:98,533,546, C>T. VCF-style: chr12-98533546-C-T. GRCh37 (hg19) VCF-style: chr12-98927324-C-T.
Other names: c.1289C>T, p.Pro430Leu (NM_003276.2); c.565+1708C>T (NM_001307975.2, NM_001032284.3); short protein forms P430L.
Identifiers: ClinVar variation 2709232 (VCV002709232.3), dbSNP rs1355976101, ClinGen allele CA386152877.
Genomic context (GRCh38, chr12:98,533,546, plus strand): 5'-AGAGAATTGATCAGTCTAAGTTTCAAGAAACTGAATTCCTGTCTCCTCCAAGAAAAGTCC[C>T]TAGACTGAGTGAGAAGTCAGTGGAGGAAAGGGATTCAGGTTCCTTTGTGGCATTTCAGAA-3'